The following is an entry in ClinVar:

NM_014714.4(IFT140):c.4201G>C (p.Glu1401Gln)

Gene: IFT140 (intraflagellar transport 140; minus strand). Cytogenetic location: 16p13.3.
Variant type: single nucleotide variant.
Coding change: c.4201G>C on transcript NM_014714.4 (MANE Select); coding-DNA position 4201, G replaced by C.
Protein change: p.Glu1401Gln; replaces glutamic acid 1401 with glutamine.
Molecular consequence: missense variant.
Genome position (GRCh38, 1-based): chr16:1,511,132, C>G on the plus strand (G>C on the coding strand, the complement: IFT140 is on the minus strand). VCF-style: chr16-1511132-C-G. GRCh37 (hg19) VCF-style: chr16-1561133-C-G.
Other names: short protein forms E1401Q.
Identifiers: ClinVar variation 968153 (VCV000968153.9), dbSNP rs2040132121, ClinGen allele CA394222549.

ClinVar aggregate classification (germline): Uncertain significance (1 of 4 stars; one submission).

Conditions:
Saldino-Mainzer syndrome (SRTD9). Also called: CONORENAL SYNDROME; SHORT-RIB THORACIC DYSPLASIA 9 WITHOUT POLYDACTYLY; short-rib thoracic dysplasia 9 with or without polydactyly; Renal dysplasia, retinal pigmentary dystrophy, cerebellar ataxia and skeletal dysplasia. Identifiers: Orphanet 140969, MedGen C1849437, MONDO:0009964, OMIM 266920.

Allele frequency attached by ClinVar (database versions not stated): TOPMed below 0.00001.
gnomAD v4.1: 3 of 1,608,426 alleles (0.00019%); highest among the groups gnomAD compares: Non-Finnish European, 0.00025%; no homozygotes.

Submission:

Labcorp Genetics (formerly Invitae), Labcorp
Classification: Uncertain significance for Saldino-Mainzer syndrome. Last evaluated: 2025-05-27. Review status: criteria provided, single submitter. Criteria: Invitae Variant Classification Sherloc (09022015). Collection method: clinical testing. Allele origin: germline.
Comment: This sequence change replaces glutamic acid, which is acidic and polar, with glutamine, which is neutral and polar, at codon 1401 of the IFT140 protein (p.Glu1401Gln). This variant is not present in population databases (gnomAD no frequency). This variant has not been reported in the literature in individuals affected with IFT140-related conditions. ClinVar contains an entry for this variant (Variation ID: 968153). Invitae Evidence Modeling of protein sequence and biophysical properties (such as structural, functional, and spatial information, amino acid conservation, physicochemical variation, residue mobility, and thermodynamic stability) indicates that this missense variant is not expected to disrupt IFT140 protein function with a negative predictive value of 80%. In summary, the available evidence is currently insufficient to determine the role of this variant in disease. Therefore, it has been classified as a Variant of Uncertain Significance.